The following is an entry in ClinVar:

NM_000135.4(FANCA):c.4159A>G (p.Lys1387Glu)

Genes: FANCA (FA complementation group A; minus strand), ZNF276 (zinc finger protein 276; plus strand). Cytogenetic location: 16q24.3.
Variant type: single nucleotide variant.
Coding change: c.4159A>G on transcript NM_000135.4 (MANE Select); coding-DNA position 4159, A replaced by G.
Protein change: p.Lys1387Glu; replaces lysine 1387 with glutamic acid.
Molecular consequence: missense variant. On other transcripts: 3 prime UTR variant (2), non-coding transcript variant (4).
Genome position (GRCh38, 1-based): chr16:89,739,141, T>C on the plus strand (A>G on the coding strand, the complement: FANCA is on the minus strand). VCF-style: chr16-89739141-T-C. GRCh37 (hg19) VCF-style: chr16-89805549-T-C.
Other names: c.4159A>G, p.Lys1387Glu (NM_001286167.3); c.*895T>C (NM_001113525.2, NM_152287.4); short protein forms K1387E.
Identifiers: ClinVar variation 1524572 (VCV001524572.6), dbSNP rs1436768029, ClinGen allele CA397484269.

ClinVar aggregate classification (germline): Uncertain significance. Review status: criteria provided, multiple submitters, no conflicts (2 of 4 stars). 2 submissions from 2 submitters: Uncertain significance (2). Last evaluated 2025-03-17.

Conditions:
Fanconi anemia (FA). Also called: Fanconi's anemia. Identifiers: Orphanet 84, MedGen C0015625, MeSH D005199, MONDO:0019391.
Inborn genetic diseases. Identifiers: MedGen C0950123, MeSH D030342.

Allele frequency attached by ClinVar (database versions not stated): gnomAD 0.00001; TOPMed 0.00001.
gnomAD v4.1: 14 of 1,614,016 alleles (0.00087%); highest among the groups gnomAD compares: Non-Finnish European, 0.0012%; no homozygotes.

Submissions (2):

Ambry Genetics
Classification: Uncertain significance for Inborn genetic diseases. Last evaluated: 2025-03-17. Review status: criteria provided, single submitter. Criteria: Ambry Variant Classification Scheme 2023. Collection method: clinical testing. Allele origin: germline.
Comment: The p.K1387E variant (also known as c.4159A>G), located in coding exon 41 of the FANCA gene, results from an A to G substitution at nucleotide position 4159. The lysine at codon 1387 is replaced by glutamic acid, an amino acid with similar properties. This amino acid position is conserved. In addition, this alteration is predicted to be tolerated by in silico analysis. Based on the available evidence, the clinical significance of this variant remains unclear.

Labcorp Genetics (formerly Invitae), Labcorp
Classification: Uncertain significance for Fanconi anemia. Last evaluated: 2022-04-04. Review status: criteria provided, single submitter. Criteria: Invitae Variant Classification Sherloc (09022015). Collection method: clinical testing. Allele origin: germline.
Comment: This sequence change replaces lysine, which is basic and polar, with glutamic acid, which is acidic and polar, at codon 1387 of the FANCA protein (p.Lys1387Glu). This variant is not present in population databases (gnomAD no frequency). This variant has not been reported in the literature in individuals affected with FANCA-related conditions. Advanced modeling of protein sequence and biophysical properties (such as structural, functional, and spatial information, amino acid conservation, physicochemical variation, residue mobility, and thermodynamic stability) performed at Invitae indicates that this missense variant is not expected to disrupt FANCA protein function. In summary, the available evidence is currently insufficient to determine the role of this variant in disease. Therefore, it has been classified as a Variant of Uncertain Significance.